The following is an entry in ClinVar:

ClinVar aggregate classification (germline): Uncertain significance (1 of 4 stars; one submission).

Conditions:
Hereditary cancer-predisposing syndrome. Also called: Hereditary neoplastic syndrome; Neoplastic Syndromes, Hereditary; Tumor predisposition; Hereditary Cancer Syndrome. Identifiers: Orphanet 140162, MedGen C0027672, MeSH D009386, MONDO:0015356.

Allele frequency attached by ClinVar (database versions not stated): TOPMed below 0.00001.
gnomAD v4.1: 1 of 1,613,702 alleles (0.000062%); no homozygotes.

Submission:

Labcorp Genetics (formerly Invitae), Labcorp
Classification: Uncertain significance for Hereditary cancer-predisposing syndrome. Last evaluated: 2020-05-12. Review status: criteria provided, single submitter. Criteria: Invitae Variant Classification Sherloc (09022015). Collection method: clinical testing. Allele origin: germline.
Comment: In summary, the available evidence is currently insufficient to determine the role of this variant in disease. Therefore, it has been classified as a Variant of Uncertain Significance. Algorithms developed to predict the effect of sequence changes on RNA splicing suggest that this variant may create or strengthen a splice site, but this prediction has not been confirmed by published transcriptional studies. Algorithms developed to predict the effect of missense changes on protein structure and function (SIFT, PolyPhen-2, Align-GVGD) all suggest that this variant is likely to be tolerated, but these predictions have not been confirmed by published functional studies and their clinical significance is uncertain. This variant has not been reported in the literature in individuals with RAD50-related conditions. This variant is not present in population databases (ExAC no frequency). This sequence change replaces alanine with glycine at codon 366 of the RAD50 protein (p.Ala366Gly). The alanine residue is moderately conserved and there is a small physicochemical difference between alanine and glycine.

NM_005732.4(RAD50):c.1097C>G (p.Ala366Gly)

Gene: RAD50 (RAD50 double strand break repair protein; plus strand). Cytogenetic location: 5q31.1.
Variant type: single nucleotide variant.
Coding change: c.1097C>G on transcript NM_005732.4 (MANE Select); coding-DNA position 1097, C replaced by G.
Protein change: p.Ala366Gly; replaces alanine 366 with glycine.
Molecular consequence: missense variant.
Genome position (GRCh38, 1-based): chr5:132,588,732, C>G. VCF-style: chr5-132588732-C-G. GRCh37 (hg19) VCF-style: chr5-131924424-C-G.
Other names: short protein forms A366G.
Identifiers: ClinVar variation 1002936 (VCV001002936.9), dbSNP rs1580992732, ClinGen allele CA360942306.